The following is an entry in ClinVar:

NM_001370658.1(BTD):c.477_478delinsAA (p.Cys159_His160delinsTer)

Gene: BTD (biotinidase; plus strand). Cytogenetic location: 3p25.1.
Variant type: Indel.
Coding change: c.477_478delinsAA on transcript NM_001370658.1 (MANE Select); coding-DNA positions 477 to 478, TC replaced by AA.
Protein change: p.Cys159_His160delinsTer.
Molecular consequence: nonsense. On other transcripts: intron variant (1).
Genome position (GRCh38, 1-based): chr3:15,644,393-15,644,394, TC replaced by AA. VCF-style: chr3-15644393-TC-AA. GRCh37 (hg19) VCF-style: chr3-15685900-TC-AA.
Other names: c.477_478delTCinsAA, p.Cys159Ter (NM_001407368.1, NM_001407369.1, NM_001407370.1 and 16 more transcripts); c.537_538delTCinsAA, p.Cys179Ter (NM_000060.4); c.477_478delinsAA, p.Cys159_His160delinsTer (NM_001281724.3, NM_001370752.1); c.399+2336_399+2337delinsAA (NM_001370753.1); short protein forms C179*, C159*.
Identifiers: ClinVar variation 1453804 (VCV001453804.9), dbSNP rs2125500515, ClinGen allele CA2573136159.
Genomic context (GRCh38, chr3:15,644,393, plus strand): 5'-TTGTATGGCCATCAGGGGAGATATGTTCTTGGTGGCCAATCTTGGGACAAAGGAGCCTTG[TC>AA]ATAGCAGTGACCCAAGGTGCCCAAAAGATGGGAGATACCAGTTCAACACAAATGTCGTGT-3'

ClinVar aggregate classification (germline): Pathogenic (1 of 4 stars; one submission).

Conditions:
Biotinidase deficiency. Also called: Biotin deficiency; BTD deficiency; Late-onset biotin-responsive multiple carboxylase deficiency. Identifiers: Orphanet 79241, MedGen C0220754, MONDO:0009665, OMIM 253260.

Submission:

Labcorp Genetics (formerly Invitae), Labcorp
Classification: Pathogenic for Biotinidase deficiency. Last evaluated: 2020-10-27. Review status: criteria provided, single submitter. Criteria: Invitae Variant Classification Sherloc (09022015). Collection method: clinical testing. Allele origin: germline.
Comment: The frequency data for this variant in the population databases is not available, as this variant may be reported as separate entries in the ExAC database. This sequence change creates a premature translational stop signal (p.Cys179*) in the BTD gene. While this is not anticipated to result in nonsense mediated decay, it is expected to disrupt the last 365 amino acid(s) of the BTD protein. For these reasons, this variant has been classified as Pathogenic. This variant disrupts the C-terminus of the BTD protein. Other variant(s) that disrupt this region (p.Ser311Argfs*23) have been determined to be pathogenic (PMID: 9396567, 10400129, 17185019). This suggests that variants that disrupt this region of the protein are likely to be causative of disease. This variant has not been reported in the literature in individuals with BTD-related conditions.

Literature cited by the submitters: PubMed 9396567; PubMed 10400129; PubMed 17185019.